The following is an entry in ClinVar:

ClinVar aggregate classification (germline): Pathogenic (1 of 4 stars; one submission).

Submission:

Labcorp Genetics (formerly Invitae), Labcorp
Classification: Pathogenic. Last evaluated: 2024-04-30. Review status: criteria provided, single submitter. Criteria: Invitae Variant Classification Sherloc (09022015). Collection method: clinical testing. Allele origin: germline.
Comment: This sequence change affects a donor splice site in intron 2 of the SERPING1 gene. RNA analysis indicates that disruption of this splice site induces altered splicing and is likely to result in the loss of the initiator methionine. This variant is not present in population databases (gnomAD no frequency). Disruption of this splice site has been observed in individuals with hereditary angioedema (PMID: 14635117, 18758157, 21934598). Studies have shown that disruption of this splice site results in skipping of exon 2, and is expected to result in the loss of the initiator methionine (PMID: 16470590). For these reasons, this variant has been classified as Pathogenic.

Literature cited by the submitters: PubMed 14635117; PubMed 18758157; PubMed 21934598; PubMed 16470590.

NM_000062.3(SERPING1):c.51+1G>C

Gene: SERPING1 (serpin family G member 1; plus strand). Cytogenetic location: 11q12.1.
Variant type: single nucleotide variant.
Coding change: c.51+1G>C on transcript NM_000062.3 (MANE Select); the canonical splice donor site of the intron after coding-DNA position 51, G replaced by C.
Molecular consequence: splice donor variant.
Genome position (GRCh38, 1-based): chr11:57,598,322, G>C. VCF-style: chr11-57598322-G-C. GRCh37 (hg19) VCF-style: chr11-57365795-G-C.
Other names: c.51+1G>C (NM_001032295.2).
Identifiers: ClinVar variation 2755140 (VCV002755140.3), dbSNP rs1470120365, ClinGen allele CA380693431.